The following is an entry in ClinVar:

ClinVar aggregate classification (germline): Pathogenic/Likely pathogenic. Review status: criteria provided, multiple submitters, no conflicts (2 of 4 stars). 2 submissions from 2 submitters: Pathogenic (1); Likely pathogenic (1). Last evaluated 2026-01-12.

Conditions:
Wilson disease (WND). Also called: Wilson's disease. Identifiers: Orphanet 905, MedGen C0019202, MONDO:0010200, OMIM 277900. Disease mechanism: loss of function.

Allele frequency attached by ClinVar (database versions not stated): TOPMed below 0.00001.

Submissions (2):

Women's Health and Genetics/Laboratory Corporation of America, LabCorp
Classification: Pathogenic for Wilson disease. Last evaluated: 2026-01-12. Review status: criteria provided, single submitter. Criteria: LabCorp Variant Classification Summary - May 2015. Collection method: clinical testing. Allele origin: germline.
Comment: Variant summary: ATP7B c.3140dupA (p.Asp1047GlufsX22) results in a premature termination codon, predicted to cause a truncation of the encoded protein or absence of the protein due to nonsense mediated decay, which are commonly known mechanisms for disease. The variant was absent in 249256 control chromosomes. To our knowledge, no occurrence of c.3140dupA in individuals affected with ATP7B-related conditions and no experimental evidence demonstrating its impact on protein function have been reported. ClinVar contains an entry for this variant (Variation ID: 3070627). Based on the evidence outlined above, the variant was classified as pathogenic.

All of Us Research Program, National Institutes of Health
Classification: Likely pathogenic for Wilson disease. Last evaluated: 2023-05-04. Review status: criteria provided, single submitter. Criteria: ACMG Guidelines, 2015. Collection method: clinical testing. Allele origin: germline. Inheritance: Autosomal recessive inheritance. Observed: 1 variant allele, 1 heterozygote.
Comment: This variant is predicted to result in loss of protein function through nonsense-mediated or protein truncation. Loss of function is an established mechanism of disease. This variant is absent from or rare in large population databases, including the Genome Aggregation Database. To date, this variant has not been reported in association with human disease in the medical literature.

This study involves interpretation of variants in research participants for the purpose of population health screening. Participant phenotype was not available at the time of variant classification. Additional details can be found in publication PMID: 35346344, PMCID: PMC8962531

NM_000053.4(ATP7B):c.3140dup (p.Asp1047fs)

Gene: ATP7B (ATPase copper transporting beta; minus strand). Cytogenetic location: 13q14.3.
Variant type: Duplication.
Coding change: c.3140dup on transcript NM_000053.4 (MANE Select); coding-DNA position 3140, one base duplicated (A; older notation c.3140dupA).
Protein change: p.Asp1047fs; shifts the reading frame from aspartic acid 1047.
Molecular consequence: frameshift variant. On other transcripts: intron variant (1).
Genome position (GRCh38, 1-based): chr13:51,944,212, T duplicated on the plus strand (A on the coding strand, the reverse complement: ATP7B is on the minus strand). VCF-style (leftmost placement, unchanged base first): chr13-51944211-A-AT. GRCh37 (hg19) VCF-style: chr13-52518347-A-AT.
Other names: c.3044dup, p.Asp1015fs (NM_001406517.1, NM_001406518.1); c.2996dup, p.Asp999fs (NM_001406520.1, NM_001406521.1, NM_001406522.1); c.3005dup, p.Asp1002fs (NM_001406519.1); c.2963dup, p.Asp988fs (NM_001406524.1); c.2945dup, p.Asp982fs (NM_001406525.1); c.3140dup, p.Asp1047fs (NM_001406526.1, NM_001406511.1, NM_001406512.1); c.2906dup, p.Asp969fs (NM_001406527.1, NM_001406528.1, NM_001406538.1 and 1 more transcripts); c.2900dup, p.Asp967fs (NM_001406530.1); and 20 more; short protein forms D1002fs, D1015fs, D1029fs, D1036fs, D1045fs, D1047fs, D617fs, D766fs.
Identifiers: ClinVar variation 3070627 (VCV003070627.2), dbSNP rs1957514480, ClinGen allele CA2091564004.
Genomic context (GRCh38, chr13:51,944,211, plus strand): 5'-ACTGCTGGCCTCCGCAGTCCCCACCACAGCCAGAACCTTCCTGAGGGGCAGTGTGGCCAC[A>AT]TCCCCCAGCAGGAGCACCCGCATGACCCTGGGGACGCCATGGGTAATGGTGCCAGTCTTG-3'